The following is an entry in ClinVar:

ClinVar aggregate classification (germline): Benign/Likely benign. Review status: criteria provided, multiple submitters, no conflicts (2 of 4 stars). 10 submissions from 10 submitters: Benign (6); Likely benign (1). 3 of the submissions do not count toward it. Last evaluated 2026-02-04.

Conditions:
Retinal dystrophy. Also called: Inherited retinal dystrophy. Identifiers: Orphanet 71862, MedGen C0854723, MeSH D058499, MONDO:0019118, HP:0000556.
Retinitis pigmentosa (RP). Identifiers: Orphanet 791, MedGen C0035334, MeSH D012174, MONDO:0019200, OMIM 268000. Inheritance: Autosomal dominant, autosomal recessive and X linked inheritance.
Retinitis pigmentosa 25 (RP25). Identifiers: Orphanet 791, MedGen C1864446, MONDO:0011272, OMIM 602772.

Allele frequency attached by ClinVar (database versions not stated): 1000 Genomes Project 30x 0.09244; gnomAD exomes 0.11743; gnomAD 0.09847 and 0.10085; TOPMed 0.10458; ExAC 0.10511; 1000 Genomes Project 0.09385; ESP Exome Variant Server 0.10846.
gnomAD v4.1: 198,897 of 1,547,756 alleles (13%); highest among the groups gnomAD compares: East Asian, 15%; 13,776 homozygotes.

Submissions (10):

Labcorp Genetics (formerly Invitae), Labcorp
Classification: Benign. Last evaluated: 2026-02-04. Review status: criteria provided, single submitter. Criteria: Invitae Variant Classification Sherloc (09022015). Collection method: clinical testing. Allele origin: germline.

Women's Health and Genetics/Laboratory Corporation of America, LabCorp
Classification: Likely benign. Last evaluated: 2025-11-24. Review status: criteria provided, single submitter. Criteria: LabCorp Variant Classification Summary - May 2015. Collection method: clinical testing. Allele origin: germline.

Dept Of Ophthalmology, Nagoya University
Classification: Benign for Retinal dystrophy. Last evaluated: 2023-10-01. Review status: criteria provided, single submitter. Criteria: Submitter's publication. Collection method: research. Allele origin: germline. Affected: yes.

Genome-Nilou Lab
Classification: Benign for Retinitis pigmentosa 25. Last evaluated: 2021-07-01. Review status: criteria provided, single submitter. Criteria: ACMG Guidelines, 2015. Collection method: clinical testing. Allele origin: germline. Affected: no.

Illumina Laboratory Services, Illumina
Classification: Benign for Retinitis pigmentosa. Last evaluated: 2018-01-13. Review status: criteria provided, single submitter. Criteria: ICSL Variant Classification Criteria 13 December 2019. Collection method: clinical testing. Allele origin: germline.
Comment: This variant was observed in the ICSL laboratory as part of a predisposition screen in an ostensibly healthy population. It had not been previously curated by ICSL or reported in the Human Gene Mutation Database (HGMD: prior to June 1st, 2018), and was therefore a candidate for classification through an automated scoring system. Utilizing variant allele frequency, disease prevalence and penetrance estimates, and inheritance mode, an automated score was calculated to assess if this variant is too frequent to cause the disease. Based on the score and internal cut-off values, a variant classified as benign is not then subjected to further curation. The score for this variant resulted in a classification of benign for this disease.

Eurofins Ntd Llc (ga)
Classification: Benign. Last evaluated: 2013-09-19. Review status: criteria provided, single submitter. Criteria: EGL Classification Definitions 2015. Collection method: clinical testing. Allele origin: germline. Observed: 2 variant alleles, 2 heterozygotes.

GeneDx
Classification: Benign. Last evaluated: 2011-08-11. Review status: criteria provided, single submitter. Criteria: GeneDx Variant Classification (06012015). Collection method: clinical testing. Allele origin: germline. Affected: yes.
Comment: This variant is considered likely benign or benign based on one or more of the following criteria: it is a conservative change, it occurs at a poorly conserved position in the protein, it is predicted to be benign by multiple in silico algorithms, and/or has population frequency not consistent with disease.

Natera, Inc.
Classification: Benign for Retinitis pigmentosa. Last evaluated: 2020-09-16. Review status: no assertion criteria provided. Collection method: clinical testing. Allele origin: germline. Not counted in ClinVar's aggregate classification.

Clinical Genetics DNA and cytogenetics Diagnostics Lab, Erasmus MC, Erasmus Medical Center
Classification: Benign. Review status: no assertion criteria provided. Collection method: clinical testing. Allele origin: germline. Affected: yes. Study: VKGL Data-share Consensus. Not counted in ClinVar's aggregate classification.

Joint Genome Diagnostic Labs from Nijmegen and Maastricht, Radboudumc and MUMC+
Classification: Benign. Review status: no assertion criteria provided. Collection method: clinical testing. Allele origin: germline. Affected: yes. Study: VKGL Data-share Consensus. Not counted in ClinVar's aggregate classification.

NM_001142800.2(EYS):c.3973C>G (p.Gln1325Glu)

Gene: EYS (EGF-like photoreceptor maintenance factor; minus strand). Cytogenetic location: 6q12.
Variant type: single nucleotide variant.
Coding change: c.3973C>G on transcript NM_001142800.2 (MANE Select); coding-DNA position 3973, C replaced by G.
Protein change: p.Gln1325Glu; replaces glutamine 1325 with glutamic acid.
Molecular consequence: missense variant.
Genome position (GRCh38, 1-based): chr6:64,591,894, G>C on the plus strand (C>G on the coding strand, the complement: EYS is on the minus strand). VCF-style: chr6-64591894-G-C. GRCh37 (hg19) VCF-style: chr6-65301787-G-C.
Other names: p.Q1325E:CAA>GAA; c.3973C>G (FM209056.1); c.3973C>G, p.Gln1325Glu (NM_001292009.2); short protein forms Q1325E.
Identifiers: ClinVar variation 93608 (VCV000093608.26), dbSNP rs12663622, ClinGen allele CA147132.